The following is an entry in ClinVar:

NM_000051.4(ATM):c.8451T>G (p.Tyr2817Ter)

Genes: ATM (ATM serine/threonine kinase; plus strand), C11orf65 (chromosome 11 open reading frame 65; minus strand). Cytogenetic location: 11q22.3.
Variant type: single nucleotide variant.
Coding change: c.8451T>G on transcript NM_000051.4 (MANE Select); coding-DNA position 8451, T replaced by G.
Protein change: p.Tyr2817Ter; replaces tyrosine 2817 with a stop codon.
Molecular consequence: nonsense. On other transcripts: intron variant (2).
Genome position (GRCh38, 1-based): chr11:108,345,775, T>G. VCF-style: chr11-108345775-T-G. GRCh37 (hg19) VCF-style: chr11-108216502-T-G.
Other names: c.8451T>G, p.Tyr2817Ter (NM_001351834.2); c.641-36704A>C (NM_001330368.2); c.695-10483A>C (NM_001351110.2); short protein forms Y2817*.
Identifiers: ClinVar variation 1453679 (VCV001453679.9), dbSNP rs2137026687, ClinGen allele CA382517902.

ClinVar aggregate classification (germline): Pathogenic/Likely pathogenic. Review status: criteria provided, multiple submitters, no conflicts (2 of 4 stars). 3 submissions from 3 submitters: Pathogenic (2); Likely pathogenic (1). Last evaluated 2024-02-02.

Conditions:
Familial cancer of breast. Also called: BREAST CANCER, FAMILIAL; Hereditary breast cancer; hereditary breast carcinoma. Identifiers: Orphanet 227535, MedGen C0346153, MONDO:0016419, OMIM 114480. Disease mechanism: loss of function.
Ataxia-telangiectasia syndrome (AT). Also called: Ataxia-telangiectasia; LOUIS-BAR SYNDROME; Ataxia-telangiectasia, complementation group D; AT, COMPLEMENTATION GROUP C; ATAXIA-TELANGIECTASIA, COMPLEMENTATION GROUP A; ATAXIA-TELANGIECTASIA, FRESNO VARIANT. Identifiers: Orphanet 100, MedGen C0004135, MONDO:0008840, OMIM 208900.

Submissions (3):

Myriad Genetics, Inc.
Classification: Pathogenic for Familial cancer of breast. Last evaluated: 2024-02-02. Review status: criteria provided, single submitter. Criteria: Myriad Autosomal Dominant, Autosomal Recessive and X-Linked Classification Criteria (2023). Collection method: clinical testing. Allele origin: unknown.
Comment: This variant is considered pathogenic. This variant creates a termination codon and is predicted to result in premature protein truncation.

Labcorp Genetics (formerly Invitae), Labcorp
Classification: Pathogenic for Ataxia-telangiectasia syndrome. Last evaluated: 2023-08-10. Review status: criteria provided, single submitter. Criteria: Invitae Variant Classification Sherloc (09022015). Collection method: clinical testing. Allele origin: germline.
Comment: This variant has not been reported in the literature in individuals affected with ATM-related conditions. For these reasons, this variant has been classified as Pathogenic. ClinVar contains an entry for this variant (Variation ID: 1453679). This variant is not present in population databases (gnomAD no frequency). This sequence change creates a premature translational stop signal (p.Tyr2817*) in the ATM gene. It is expected to result in an absent or disrupted protein product. Loss-of-function variants in ATM are known to be pathogenic (PMID: 23807571, 25614872).

Baylor Genetics
Classification: Likely pathogenic for Familial cancer of breast. Last evaluated: 2022-09-27. Review status: criteria provided, single submitter. Criteria: ACMG Guidelines, 2015. Collection method: clinical testing. Allele origin: unknown.

Literature cited by the submitters: PubMed 23807571 (cited by Labcorp Genetics (formerly Invitae), Labcorp); PubMed 25614872 (cited by Labcorp Genetics (formerly Invitae), Labcorp).